The following is an entry in ClinVar:

NM_002471.4(MYH6):c.1141+8G>T

Gene: MYH6 (myosin heavy chain 6; minus strand). Cytogenetic location: 14q11.2.
Variant type: single nucleotide variant.
Coding change: c.1141+8G>T on transcript NM_002471.4 (MANE Select); 8 bases into the intron after coding-DNA position 1141, G replaced by T.
Molecular consequence: intron variant.
Genome position (GRCh38, 1-based): chr14:23,402,456, C>A on the plus strand (G>T on the coding strand, the complement: MYH6 is on the minus strand). VCF-style: chr14-23402456-C-A. GRCh37 (hg19) VCF-style: chr14-23871665-C-A.
Identifiers: ClinVar variation 178074 (VCV000178074.21), dbSNP rs377327277, ClinGen allele CA181339.

ClinVar aggregate classification (germline): Benign/Likely benign. Review status: criteria provided, multiple submitters, no conflicts (2 of 4 stars). 8 submissions from 8 submitters: Benign (2); Likely benign (4). 2 of the submissions do not count toward it. Last evaluated 2026-01-31.

Conditions:
MYH6-related disorder. Also called: MYH6-related condition; MYH6-Related Disorders.
Hypertrophic cardiomyopathy 14. Identifiers: MedGen C2750467, MONDO:0013197, OMIM 613251.

Allele frequency attached by ClinVar (database versions not stated): gnomAD exomes 0.00017; ExAC 0.00018; gnomAD 0.00045; ESP Exome Variant Server 0.00054; TOPMed 0.00069; 1000 Genomes Project 0.00120; 1000 Genomes Project 30x 0.00125.

Submissions (8):

Labcorp Genetics (formerly Invitae), Labcorp
Classification: Benign for Hypertrophic cardiomyopathy 14. Last evaluated: 2026-01-31. Review status: criteria provided, single submitter. Criteria: Invitae Variant Classification Sherloc (09022015). Collection method: clinical testing. Allele origin: germline.

PreventionGenetics, part of Exact Sciences
Classification: Likely benign for MYH6-related condition. Last evaluated: 2025-07-29. Review status: criteria provided, single submitter. Criteria: ACMG Guidelines, 2015. Collection method: clinical testing. Allele origin: germline.
Comment: This variant is classified as likely benign based on ACMG/AMP sequence variant interpretation guidelines (Richards et al. 2015 PMID: 25741868, with internal and published modifications).

Blueprint Genetics
Classification: Likely benign. Last evaluated: 2023-12-08. Review status: criteria provided, single submitter. Criteria: ACMG Guidelines, 2015. Collection method: clinical testing. Allele origin: germline.

Women's Health and Genetics/Laboratory Corporation of America, LabCorp
Classification: Benign. Last evaluated: 2022-05-07. Review status: criteria provided, single submitter. Criteria: LabCorp Variant Classification Summary - May 2015. Collection method: clinical testing. Allele origin: germline.

GeneDx
Classification: Likely benign. Last evaluated: 2018-05-07. Review status: criteria provided, single submitter. Criteria: GeneDx Variant Classification Process June 2021. Collection method: clinical testing. Allele origin: germline. Affected: yes.

Laboratory for Molecular Medicine, Mass General Brigham Personalized Medicine
Classification: Likely benign. Last evaluated: 2012-03-19. Review status: criteria provided, single submitter. Criteria: LMM Criteria. Collection method: clinical testing. Allele origin: germline. Observed: 1 variant allele.
Comment: c.1141+8G>T in Intron 12 of MYH6: This variant is not expected to have clinical significance because it is not located within the splice consensus sequence. It has been identified in 0.1% (5/3738) of African American chromosomes from a broa d population by the NHLBI Exome Sequencing Project (/EVS;).

Clinical Genetics, Academic Medical Center
Classification: Benign. Review status: no assertion criteria provided. Collection method: clinical testing. Allele origin: germline. Affected: yes. Study: VKGL Data-share Consensus. Not counted in ClinVar's aggregate classification.

Genome Diagnostics Laboratory, University Medical Center Utrecht
Classification: Benign. Review status: no assertion criteria provided. Collection method: clinical testing. Allele origin: germline. Affected: yes. Study: VKGL Data-share Consensus. Not counted in ClinVar's aggregate classification.